The following is an entry in ClinVar:

ClinVar aggregate classification (germline): Uncertain significance (1 of 4 stars; one submission).

Submission:

GeneDx
Classification: Uncertain significance. Last evaluated: 2023-06-08. Review status: criteria provided, single submitter. Criteria: GeneDx Variant Classification Process June 2021. Collection method: clinical testing. Allele origin: germline. Affected: yes.
Comment: Not observed at significant frequency in large population cohorts (gnomAD); In silico analysis supports that this missense variant has a deleterious effect on protein structure/function; Has not been previously published as pathogenic or benign to our knowledge

NM_032108.4(SEMA6B):c.2027C>T (p.Pro676Leu)

Gene: SEMA6B (semaphorin 6B; minus strand). Cytogenetic location: 19p13.3.
Variant type: single nucleotide variant.
Coding change: c.2027C>T on transcript NM_032108.4 (MANE Select); coding-DNA position 2027, C replaced by T.
Protein change: p.Pro676Leu; replaces proline 676 with leucine.
Molecular consequence: missense variant.
Genome position (GRCh38, 1-based): chr19:4,544,241, G>A on the plus strand (C>T on the coding strand, the complement: SEMA6B is on the minus strand). VCF-style: chr19-4544241-G-A. GRCh37 (hg19) VCF-style: chr19-4544253-G-A.
Other names: short protein forms P676L.
Identifiers: ClinVar variation 3359354 (VCV003359354.1).